The following is an entry in ClinVar:

ClinVar aggregate classification (germline): Likely benign. Review status: criteria provided, single submitter (1 of 4 stars). 2 submissions from 2 submitters: Likely benign (1). 1 of the submissions does not count toward it. Last evaluated 2024-11-13.

Conditions:
Inborn genetic diseases. Identifiers: MedGen C0950123, MeSH D030342.
AGTPBP1-related disorder. Also called: AGTPBP1-related condition.

Allele frequency attached by ClinVar (database versions not stated): gnomAD exomes 0.00014; ExAC 0.00050; 1000 Genomes Project 0.00140; 1000 Genomes Project 30x 0.00156; gnomAD 0.00178; ESP Exome Variant Server 0.00185; TOPMed 0.00195.
gnomAD v4.1: 478 of 1,608,778 alleles (0.03%); highest among the groups gnomAD compares: African/African-American, 0.59%; no homozygotes.

Submissions (2):

Ambry Genetics
Classification: Likely benign for Inborn genetic diseases. Last evaluated: 2024-11-13. Review status: criteria provided, single submitter. Criteria: Ambry Variant Classification Scheme 2023. Collection method: clinical testing. Allele origin: germline.

PreventionGenetics, part of Exact Sciences
Classification: Likely benign for AGTPBP1-related condition. Last evaluated: 2019-08-29. Review status: no assertion criteria provided. Collection method: clinical testing. Allele origin: germline. Not counted in ClinVar's aggregate classification.
Comment: This variant is classified as likely benign based on ACMG/AMP sequence variant interpretation guidelines (Richards et al. 2015 PMID: 25741868, with internal and published modifications).

NM_001330701.2(AGTPBP1):c.3385A>G (p.Lys1129Glu)

Gene: AGTPBP1 (ATP/GTP binding carboxypeptidase 1; minus strand). Cytogenetic location: 9q21.33.
Variant type: single nucleotide variant.
Coding change: c.3385A>G on transcript NM_001330701.2 (MANE Select); coding-DNA position 3385, A replaced by G.
Protein change: p.Lys1129Glu; replaces lysine 1129 with glutamic acid.
Molecular consequence: missense variant.
Genome position (GRCh38, 1-based): chr9:85,575,433, T>C on the plus strand (A>G on the coding strand, the complement: AGTPBP1 is on the minus strand). VCF-style: chr9-85575433-T-C. GRCh37 (hg19) VCF-style: chr9-88190348-T-C.
Other names: c.3541A>G, p.Lys1181Glu (NM_001286715.1); c.3421A>G, p.Lys1141Glu (NM_001286717.1); c.3265A>G, p.Lys1089Glu (NM_015239.3); c.3265A>G (NM_015239.2); short protein forms K1089E, K1129E, K1141E, K1181E.
Identifiers: ClinVar variation 3052612 (VCV003052612.3), dbSNP rs60986482, ClinGen allele CA5106090.